The following is an entry in ClinVar:

NM_006231.4(POLE):c.4359G>T (p.Arg1453Ser)

Gene: POLE (DNA polymerase epsilon, catalytic subunit; minus strand). Cytogenetic location: 12q24.33.
Variant type: single nucleotide variant.
Coding change: c.4359G>T on transcript NM_006231.4 (MANE Select); coding-DNA position 4359, G replaced by T.
Protein change: p.Arg1453Ser; replaces arginine 1453 with serine.
Molecular consequence: missense variant.
Genome position (GRCh38, 1-based): chr12:132,643,492, C>A on the plus strand (G>T on the coding strand, the complement: POLE is on the minus strand). VCF-style: chr12-132643492-C-A. GRCh37 (hg19) VCF-style: chr12-133220078-C-A.
Other names: short protein forms R1453S.
Identifiers: ClinVar variation 3767817 (VCV003767817.2).
Genomic context (GRCh38, chr12:132,643,492, plus strand): 5'-CAGAGAGCGCATCTCCAGGTGCTCAAGAGCAAAGGTCTCTGCTTCCCAGCCTGAAAGGTG[C>A]CTCACCAGCTGTTTATTGACCACACACACACAGCCCAGGTGCACCAGGGCCCGGAACAGT-3'
Protein context (NP_006222.2, residues 1443-1463): CVCVVNKQLV[Arg1453Ser]HLSGWEAETF

ClinVar aggregate classification (germline): Uncertain significance. Review status: criteria provided, multiple submitters, no conflicts (2 of 4 stars). 2 submissions from 2 submitters: Uncertain significance (2). Last evaluated 2025-11-25.

Conditions:
Hereditary cancer-predisposing syndrome. Also called: Neoplastic Syndromes, Hereditary; Tumor predisposition; Hereditary Cancer Syndrome; Hereditary neoplastic syndrome. Identifiers: Orphanet 140162, MedGen C0027672, MeSH D009386, MONDO:0015356.

Submissions (2):

Ambry Genetics
Classification: Uncertain significance for Hereditary cancer-predisposing syndrome. Last evaluated: 2025-11-25. Review status: criteria provided, single submitter. Criteria: Ambry Variant Classification Scheme 2023. Collection method: clinical testing. Allele origin: germline.
Comment: The p.R1453S variant (also known as c.4359G>T), located in coding exon 34 of the POLE gene, results from a G to T substitution at nucleotide position 4359. The arginine at codon 1453 is replaced by serine, an amino acid with dissimilar properties. This amino acid position is conserved. In addition, this alteration is predicted to be tolerated by in silico analysis. Based on the available evidence, the clinical significance of this variant remains unclear.

GeneDx
Classification: Uncertain significance. Last evaluated: 2024-09-04. Review status: criteria provided, single submitter. Criteria: GeneDx Variant Classification Process June 2021. Collection method: clinical testing. Allele origin: germline. Affected: yes.
Comment: Not observed at significant frequency in large population cohorts (gnomAD); In silico analysis supports that this missense variant has a deleterious effect on protein structure/function; Has not been previously published as pathogenic or benign to our knowledge